The following is an entry in ClinVar:

ClinVar aggregate classification (germline): Uncertain significance (1 of 4 stars; one submission).

Conditions:
Emery-Dreifuss muscular dystrophy 5, autosomal dominant (EDMD5). Also called: EMERY-DREIFUSS MUSCULAR DYSTROPHY 5. Identifiers: Orphanet 261, MedGen C2751805, MONDO:0013072, OMIM 612999.

Allele frequency attached by ClinVar (database versions not stated): gnomAD exomes below 0.00001 and 0.00001; gnomAD 0.00001; ExAC 0.00002; TOPMed 0.00002; 1000 Genomes Project 30x 0.00031; 1000 Genomes Project 0.00040.
gnomAD v4.1: 9 of 1,612,398 alleles (0.00056%); highest among the groups gnomAD compares: African/African-American, 0.004%; no homozygotes.

Submission:

Labcorp Genetics (formerly Invitae), Labcorp
Classification: Uncertain significance for Emery-Dreifuss muscular dystrophy 5, autosomal dominant. Last evaluated: 2022-11-15. Review status: criteria provided, single submitter. Criteria: Invitae Variant Classification Sherloc (09022015). Collection method: clinical testing. Allele origin: germline.
Comment: In summary, the available evidence is currently insufficient to determine the role of this variant in disease. Therefore, it has been classified as a Variant of Uncertain Significance. Algorithms developed to predict the effect of missense changes on protein structure and function are either unavailable or do not agree on the potential impact of this missense change (SIFT: "Tolerated"; PolyPhen-2: "Possibly Damaging"; Align-GVGD: "Class C0"). ClinVar contains an entry for this variant (Variation ID: 643726). This variant has not been reported in the literature in individuals affected with SYNE2-related conditions. This variant is present in population databases (rs563179946, gnomAD 0.01%). This sequence change replaces isoleucine, which is neutral and non-polar, with threonine, which is neutral and polar, at codon 4776 of the SYNE2 protein (p.Ile4776Thr).

NM_182914.3(SYNE2):c.14327T>C (p.Ile4776Thr)

Gene: SYNE2 (spectrin repeat containing nuclear envelope protein 2; plus strand). Cytogenetic location: 14q23.2.
Variant type: single nucleotide variant.
Coding change: c.14327T>C on transcript NM_182914.3 (MANE Select); coding-DNA position 14327, T replaced by C.
Protein change: p.Ile4776Thr; replaces isoleucine 4776 with threonine.
Molecular consequence: missense variant.
Genome position (GRCh38, 1-based): chr14:64,130,235, T>C. VCF-style: chr14-64130235-T-C. GRCh37 (hg19) VCF-style: chr14-64596953-T-C.
Other names: c.14327T>C, p.Ile4776Thr (NM_015180.6); short protein forms I4776T.
Identifiers: ClinVar variation 643726 (VCV000643726.9), dbSNP rs563179946, ClinGen allele CA7222742.
Genomic context (GRCh38, chr14:64,130,235, plus strand): 5'-AAAAGCTTGCTCATGGCCACTTAAAACAAACCAAAAGTAAAGTGGCGTTACAGGCTCAAA[T>C]AGAAAATCACAAGGTGAGACAGACACATGGGTCGGGTGACCCCTTCATAGACTAAAATCT-3'
Protein context (NP_878918.2, residues 4766-4786): TKSKVALQAQ[Ile4776Thr]ENHKVFFQKL